The following is an entry in ClinVar:

NM_003359.4(UGDH):c.792G>A (p.Lys264=)

Gene: UGDH (UDP-glucose 6-dehydrogenase; minus strand). Cytogenetic location: 4p14.
Variant type: single nucleotide variant.
Coding change: c.792G>A on transcript NM_003359.4 (MANE Select); coding-DNA position 792, G replaced by A.
Protein change: p.Lys264=; no amino-acid change (lysine 264 retained).
Molecular consequence: synonymous variant.
Genome position (GRCh38, 1-based): chr4:39,509,779, C>T on the plus strand (G>A on the coding strand, the complement: UGDH is on the minus strand). VCF-style: chr4-39509779-C-T. GRCh37 (hg19) VCF-style: chr4-39511399-C-T.
Other names: c.591G>A, p.Lys197= (NM_001184700.2); c.501G>A, p.Lys167= (NM_001184701.2).
Identifiers: ClinVar variation 1285104 (VCV001285104.27), dbSNP rs116145557, ClinGen allele CA2895088.

ClinVar aggregate classification (germline): Likely benign. Review status: criteria provided, multiple submitters, no conflicts (2 of 4 stars). 4 submissions from 4 submitters: Likely benign (2). 2 of the submissions do not count toward it. Last evaluated 2026-06-01.

Allele frequency attached by ClinVar (database versions not stated): gnomAD exomes 0.00007 and 0.00010; ExAC 0.00013; gnomAD 0.00034 and 0.00036; 1000 Genomes Project 0.00040; TOPMed 0.00043; ESP Exome Variant Server 0.00046; 1000 Genomes Project 30x 0.00047.
gnomAD v4.1: 164 of 1,603,872 alleles (0.01%); highest among the groups gnomAD compares: African/African-American, 0.16%; 2 homozygotes.

Submissions (4):

CeGaT Center for Human Genetics Tuebingen
Classification: Likely benign. Last evaluated: 2026-06-01. Review status: criteria provided, single submitter. Criteria: CeGaT Center For Human Genetics Tuebingen Variant Classification Criteria Version 2. Collection method: clinical testing. Allele origin: germline. Affected: yes. Observed: 3 variant alleles.
Comment: UGDH: BP4, BP7

Breakthrough Genomics
Classification: Likely benign. Review status: criteria provided, single submitter. Criteria: ACMG Guidelines, 2015. Collection method: not provided. Allele origin: germline. Inheritance: Autosomal recessive inheritance. Affected: yes.

Clinical Genetics DNA and cytogenetics Diagnostics Lab, Erasmus MC, Erasmus Medical Center
Classification: Likely benign. Review status: no assertion criteria provided. Collection method: clinical testing. Allele origin: germline. Affected: yes. Study: VKGL Data-share Consensus. Not counted in ClinVar's aggregate classification.

Genome Diagnostics Laboratory, University Medical Center Utrecht
Classification: Likely benign. Review status: no assertion criteria provided. Collection method: clinical testing. Allele origin: germline. Affected: yes. Study: VKGL Data-share Consensus. Not counted in ClinVar's aggregate classification.